The following is an entry in ClinVar:

NM_002661.5(PLCG2):c.1489G>A (p.Ala497Thr)

Gene: PLCG2 (phospholipase C gamma 2; plus strand). Cytogenetic location: 16q23.3.
Variant type: single nucleotide variant.
Coding change: c.1489G>A on transcript NM_002661.5 (MANE Select); coding-DNA position 1489, G replaced by A.
Protein change: p.Ala497Thr; replaces alanine 497 with threonine.
Molecular consequence: missense variant.
Genome position (GRCh38, 1-based): chr16:81,907,706, G>A. VCF-style: chr16-81907706-G-A. GRCh37 (hg19) VCF-style: chr16-81941311-G-A.
Other names: short protein forms A497T.
Identifiers: ClinVar variation 2646898 (VCV002646898.24), dbSNP rs2507665473, ClinGen allele CA396899880.

ClinVar aggregate classification (germline): Uncertain significance (1 of 4 stars; one submission).

Allele frequency attached by ClinVar (database versions not stated): gnomAD exomes 0.00001.
gnomAD v4.1: 18 of 1,613,708 alleles (0.0011%); highest among the groups gnomAD compares: Non-Finnish European, 0.0014%; no homozygotes.

Submission:

CeGaT Center for Human Genetics Tuebingen
Classification: Uncertain significance. Last evaluated: 2022-09-01. Review status: criteria provided, single submitter. Criteria: CeGaT Center For Human Genetics Tuebingen Variant Classification Criteria Version 2. Collection method: clinical testing. Allele origin: germline. Affected: yes. Observed: 1 variant allele.
Comment: PLCG2: PM2